The following is an entry in ClinVar:

NM_000540.3(RYR1):c.13317C>T (p.Ala4439=)

Genes: RYR1 (ryanodine receptor 1; plus strand), LOC130064357 (ATAC-STARR-seq lymphoblastoid silent region 10577; plus strand). Cytogenetic location: 19q13.2.
Variant type: single nucleotide variant.
Coding change: c.13317C>T on transcript NM_000540.3 (MANE Select); coding-DNA position 13317, C replaced by T.
Protein change: p.Ala4439=; no amino-acid change (alanine 4439 retained).
Molecular consequence: synonymous variant.
Genome position (GRCh38, 1-based): chr19:38,565,651, C>T. VCF-style: chr19-38565651-C-T. GRCh37 (hg19) VCF-style: chr19-39056291-C-T.
Other names: p.Ala4439=; c.13302C>T, p.Ala4434= (NM_001042723.2).
Identifiers: ClinVar variation 93251 (VCV000093251.34), dbSNP rs113579185, ClinGen allele CA024043.

ClinVar aggregate classification (germline): Benign/Likely benign. Review status: criteria provided, multiple submitters, no conflicts (2 of 4 stars). 16 submissions from 15 submitters: Benign (11); Likely benign (1). 4 of the submissions do not count toward it. Last evaluated 2026-02-04.

Conditions:
Malignant hyperthermia, susceptibility to, 1 (MHS1). Also called: Malignant hyperthermia suceptibility 1; Anesthesia related hyperthermia; Malignant hyperpyrexia; Fulminating hyperpyrexia; Pharmacogenic myopathy; RYR1-Related Malignant Hyperthermia Susceptibility. Identifiers: Orphanet 423, MedGen C2930980, MONDO:0007783, OMIM 145600.
Congenital multicore myopathy with external ophthalmoplegia (CMYO1B). Also called: MULTIMINICORE DISEASE WITH EXTERNAL OPHTHALMOPLEGIA; MULTICORE MYOPATHY; Minicore myopathy with external ophthalmoplegia; Congenital myopathy 1B, autosomal recessive; Minicore myopathy. Identifiers: Orphanet 598, Orphanet 98905, MedGen C1850674, MONDO:0009712, OMIM 255320, HP:0003789.
RYR1-related disorder. Also called: RYR1-related condition; RYR1-related disorders. Identifiers: MedGen CN239331.

Allele frequency attached by ClinVar (database versions not stated): 1000 Genomes Project 30x 0.03076; 1000 Genomes Project 0.03235; TOPMed 0.03525; gnomAD 0.04642; gnomAD exomes 0.05449; ExAC 0.10451.
gnomAD v4.1: 59,011 of 1,388,862 alleles (4.2%); highest among the groups gnomAD compares: Middle Eastern, 6.7%; 1,462 homozygotes.

Submissions (16):

Labcorp Genetics (formerly Invitae), Labcorp
Classification: Benign for RYR1-related disorder. Last evaluated: 2026-02-04. Review status: criteria provided, single submitter. Criteria: Invitae Variant Classification Sherloc (09022015). Collection method: clinical testing. Allele origin: germline.

Blueprint Genetics
Classification: Benign. Last evaluated: 2024-11-28. Review status: criteria provided, single submitter. Criteria: ACMG Guidelines, 2015. Collection method: clinical testing. Allele origin: germline.

Athena Diagnostics
Classification: Benign. Last evaluated: 2024-10-22. Review status: criteria provided, single submitter. Criteria: Athena Diagnostics Criteria. Collection method: clinical testing. Allele origin: unknown.

Mayo Clinic Laboratories, Mayo Clinic
Classification: Benign. Last evaluated: 2021-08-02. Review status: criteria provided, single submitter. Criteria: ACMG Guidelines, 2015. Collection method: clinical testing. Allele origin: germline. Observed: 66 variant alleles.

PreventionGenetics, part of Exact Sciences
Classification: Benign. Last evaluated: 2018-03-29. Review status: criteria provided, single submitter. Criteria: ACMG Guidelines, 2015. Collection method: clinical testing. Allele origin: germline.

Illumina Laboratory Services, Illumina
Classification: Benign for Malignant hyperthermia, susceptibility to, 1. Last evaluated: 2018-01-13. Review status: criteria provided, single submitter. Criteria: ICSL Variant Classification Criteria 13 December 2019. Collection method: clinical testing. Allele origin: germline.
Comment: This variant was observed in the ICSL laboratory as part of a predisposition screen in an ostensibly healthy population. It had not been previously curated by ICSL or reported in the Human Gene Mutation Database (HGMD: prior to June 1st, 2018), and was therefore a candidate for classification through an automated scoring system. Utilizing variant allele frequency, disease prevalence and penetrance estimates, and inheritance mode, an automated score was calculated to assess if this variant is too frequent to cause the disease. Based on the score and internal cut-off values, a variant classified as benign is not then subjected to further curation. The score for this variant resulted in a classification of benign for this disease.

Illumina Laboratory Services, Illumina
Classification: Benign for Congenital multicore myopathy with external ophthalmoplegia. Last evaluated: 2018-01-13. Review status: criteria provided, single submitter. Criteria: ICSL Variant Classification Criteria 13 December 2019. Collection method: clinical testing. Allele origin: germline.
Comment: the same text as in the submission from Illumina Laboratory Services, Illumina above.

Eurofins Ntd Llc (ga)
Classification: Benign. Last evaluated: 2016-05-19. Review status: criteria provided, single submitter. Criteria: EGL Classification Definitions 2015. Collection method: clinical testing. Allele origin: germline. Observed: 23 variant alleles, 23 heterozygotes.

GeneDx
Classification: Benign. Last evaluated: 2016-02-29. Review status: criteria provided, single submitter. Criteria: GeneDx Variant Classification (06012015). Collection method: clinical testing. Allele origin: germline. Affected: yes.
Comment: This variant is considered likely benign or benign based on one or more of the following criteria: it is a conservative change, it occurs at a poorly conserved position in the protein, it is predicted to be benign by multiple in silico algorithms, and/or has population frequency not consistent with disease.

Laboratory for Molecular Medicine, Mass General Brigham Personalized Medicine
Classification: Benign. Last evaluated: 2015-01-13. Review status: criteria provided, single submitter. Criteria: LMM Criteria. Collection method: clinical testing. Allele origin: germline. Observed: 1 variant allele.
Comment: p.Ala4439Ala in exon 91 of RYR1: This variant is not expected to have clinical s ignificance because it does not alter an amino acid residue and is not located w ithin the splice consensus sequence. It has been identified in 9.7% (18/186) of Finnish chromosomes from a broad population by the 1000 Genomes Project (dbSNP rs113579185).

Genetic Services Laboratory, University of Chicago
Classification: Benign. Last evaluated: 2013-08-15. Review status: criteria provided, single submitter. Criteria: ACMG Guidelines, 2007. Collection method: clinical testing. Allele origin: germline. Inheritance: Autosomal unknown.

Breakthrough Genomics
Classification: Likely benign. Review status: criteria provided, single submitter. Criteria: ACMG Guidelines, 2015. Collection method: not provided. Allele origin: germline. Inheritance: Autosomal recessive inheritance. Affected: yes.

Department of Pathology and Laboratory Medicine, Sinai Health System
Classification: Uncertain significance. Review status: no assertion criteria provided. Collection method: clinical testing. Allele origin: unknown. Affected: yes. Study: The Canadian Open Genetics Repository (COGR). Not counted in ClinVar's aggregate classification.
Comment: Allele frequency is common in at least one population database (frequency: 16.154% in ExAC) based on the frequency threshold of 2.223% for this gene. Variant was observed in a homozygous state in population databases more than expected for disease. A synonymous variant not located in a splice region.

Joint Genome Diagnostic Labs from Nijmegen and Maastricht, Radboudumc and MUMC+
Classification: Benign. Review status: no assertion criteria provided. Collection method: clinical testing. Allele origin: germline. Affected: yes. Study: VKGL Data-share Consensus. Not counted in ClinVar's aggregate classification.

Laboratory of Diagnostic Genome Analysis, Leiden University Medical Center (LUMC)
Classification: Likely benign. Review status: no assertion criteria provided. Collection method: clinical testing. Allele origin: germline. Affected: yes. Study: VKGL Data-share Consensus. Not counted in ClinVar's aggregate classification.

RYR1 database
No classification provided. Review status: no classification provided. Collection method: not provided. Allele origin: unknown. Not counted in ClinVar's aggregate classification.

Literature cited by the submitters: PubMed 16917943 (cited by Athena Diagnostics); PubMed 12719381 (cited by Athena Diagnostics).